The following is an entry in ClinVar:

NM_001042492.3(NF1):c.1918A>G (p.Thr640Ala)

Gene: NF1 (neurofibromin 1; plus strand). Cytogenetic location: 17q11.2.
Variant type: single nucleotide variant.
Coding change: c.1918A>G on transcript NM_001042492.3 (MANE Select); coding-DNA position 1918, A replaced by G.
Protein change: p.Thr640Ala; replaces threonine 640 with alanine.
Molecular consequence: missense variant.
Genome position (GRCh38, 1-based): chr17:31,225,167, A>G. VCF-style: chr17-31225167-A-G. GRCh37 (hg19) VCF-style: chr17-29552185-A-G.
Other names: c.1918A>G, p.Thr640Ala (NM_000267.4); short protein forms T640A.
Identifiers: ClinVar variation 1470801 (VCV001470801.8), dbSNP rs2144026733, ClinGen allele CA399005307.

ClinVar aggregate classification (germline): Uncertain significance (1 of 4 stars; one submission).

Conditions:
Neurofibromatosis, type 1 (NF1). Also called: NEUROFIBROMATOSIS, TYPE I, SOMATIC; VON RECKLINGHAUSEN DISEASE; Peripheral type neurofibromatosis; Neurofibromatosis, type I. Identifiers: Orphanet 636, MedGen C0027831, MONDO:0018975, OMIM 162200. Disease mechanism: loss of function.

Submission:

Labcorp Genetics (formerly Invitae), Labcorp
Classification: Uncertain significance for Neurofibromatosis, type 1. Last evaluated: 2021-02-16. Review status: criteria provided, single submitter. Criteria: Invitae Variant Classification Sherloc (09022015). Collection method: clinical testing. Allele origin: germline.
Comment: In summary, the available evidence is currently insufficient to determine the role of this variant in disease. Therefore, it has been classified as a Variant of Uncertain Significance. Advanced modeling of protein sequence and biophysical properties (such as structural, functional, and spatial information, amino acid conservation, physicochemical variation, residue mobility, and thermodynamic stability) performed at Invitae indicates that this missense variant is not expected to disrupt NF1 protein function. This variant has not been reported in the literature in individuals with NF1-related conditions. This variant is not present in population databases (ExAC no frequency). This sequence change replaces threonine with alanine at codon 640 of the NF1 protein (p.Thr640Ala). The threonine residue is weakly conserved and there is a small physicochemical difference between threonine and alanine.